The following is an entry in ClinVar:

ClinVar aggregate classification (germline): Uncertain significance (1 of 4 stars; one submission).

Conditions:
Catecholaminergic polymorphic ventricular tachycardia 1. Also called: VENTRICULAR TACHYCARDIA, STRESS-INDUCED POLYMORPHIC 1; RYR2-Related Catecholaminergic Polymorphic Ventricular Tachycardia; VENTRICULAR TACHYCARDIA, CATECHOLAMINERGIC POLYMORPHIC, 1, WITH OR WITHOUT ATRIAL DYSFUNCTION AND/OR DILATED CARDIOMYOPATHY. Identifiers: Orphanet 3286, MedGen C1631597, MONDO:0011484, OMIM 604772.

Submission:

Labcorp Genetics (formerly Invitae), Labcorp
Classification: Uncertain significance for Catecholaminergic polymorphic ventricular tachycardia 1. Last evaluated: 2025-06-03. Review status: criteria provided, single submitter. Criteria: Invitae Variant Classification Sherloc (09022015). Collection method: clinical testing. Allele origin: germline.
Comment: This sequence change replaces glycine, which is neutral and non-polar, with serine, which is neutral and polar, at codon 729 of the RYR2 protein (p.Gly729Ser). This variant is not present in population databases (gnomAD no frequency). This variant has not been reported in the literature in individuals affected with RYR2-related conditions. Invitae Evidence Modeling of protein sequence and biophysical properties (such as structural, functional, and spatial information, amino acid conservation, physicochemical variation, residue mobility, and thermodynamic stability) has been performed for this missense variant. However, the output from this modeling did not meet the statistical confidence thresholds required to predict the impact of this variant on RYR2 protein function. In summary, the available evidence is currently insufficient to determine the role of this variant in disease. Therefore, it has been classified as a Variant of Uncertain Significance.

NM_001035.3(RYR2):c.2185G>A (p.Gly729Ser)

Gene: RYR2 (ryanodine receptor 2; plus strand). Cytogenetic location: 1q43.
Variant type: single nucleotide variant.
Coding change: c.2185G>A on transcript NM_001035.3 (MANE Select); coding-DNA position 2185, G replaced by A.
Protein change: p.Gly729Ser; replaces glycine 729 with serine.
Molecular consequence: missense variant.
Genome position (GRCh38, 1-based): chr1:237,496,734, G>A. VCF-style: chr1-237496734-G-A. GRCh37 (hg19) VCF-style: chr1-237660034-G-A.
Other names: short protein forms G729S.
Identifiers: ClinVar variation 4770513 (VCV004770513.1).